The following is an entry in ClinVar:

NC_000023.10:g.(?_32466553)_(32632590_?)del

Gene: DMD (dystrophin; minus strand). Cytogenetic location: Xp21.1.
Variant type: Deletion.
Identifiers: ClinVar variation 2424888 (VCV002424888.5).

ClinVar aggregate classification (germline): Pathogenic (1 of 4 stars; one submission).

Conditions:
Duchenne muscular dystrophy (DMD). Also called: Duchenne Muscular Dystrophy (DMD); MUSCULAR DYSTROPHY, PSEUDOHYPERTROPHIC PROGRESSIVE, DUCHENNE TYPE. Identifiers: Orphanet 98896, MedGen C0013264, MONDO:0010679, OMIM 310200.

Submission:

Labcorp Genetics (formerly Invitae), Labcorp
Classification: Pathogenic for Duchenne muscular dystrophy. Last evaluated: 2021-11-13. Review status: criteria provided, single submitter. Criteria: Invitae Variant Classification Sherloc (09022015). Collection method: clinical testing. Allele origin: germline.
Comment: For these reasons, this variant has been classified as Pathogenic. This variant has not been reported in the literature in individuals affected with DMD-related conditions. This variant is a gross deletion of the genomic region encompassing exon(s) 12-27 of the DMD gene. This deletion is out-of-frame, and is expected to create a premature termination codon and result in an absent or disrupted protein product. Loss-of-function variants in DMD are known to be pathogenic (PMID: 16770791, 25007885).

Literature cited by the submitters: PubMed 16770791; PubMed 25007885.